The following is an entry in ClinVar:

ClinVar aggregate classification (germline): Conflicting classifications of pathogenicity. Review status: criteria provided, conflicting classifications (1 of 4 stars). 8 submissions from 8 submitters: Uncertain significance (7); Likely benign (1). Last evaluated 2026-03-18.

Conditions:
RYR1-related disorder. Also called: RYR1-related condition; RYR1-related disorders. Identifiers: MedGen CN239331.
Inborn genetic diseases. Identifiers: MedGen C0950123, MeSH D030342.
RYR1-related myopathy. Identifiers: Orphanet 98742, MedGen CN305348, MONDO:0100150.
Malignant hyperthermia, susceptibility to, 1 (MHS1). Also called: Anesthesia related hyperthermia; Malignant hyperpyrexia; Fulminating hyperpyrexia; Pharmacogenic myopathy; RYR1-Related Malignant Hyperthermia Susceptibility; Malignant hyperthermia suceptibility 1. Identifiers: Orphanet 423, MedGen C2930980, MONDO:0007783, OMIM 145600.
Central core myopathy (CMYO1A). Also called: CONGENITAL MYOPATHY 1A, AUTOSOMAL DOMINANT, WITH SUSCEPTIBILITY TO MALIGNANT HYPERTHERMIA; Central core disease; Myopathy, central fibrillar. Identifiers: Orphanet 597, MedGen C5830701, MONDO:0007294, OMIM 117000.

Allele frequency attached by ClinVar (database versions not stated): gnomAD 0.00006 and 0.00007; TOPMed 0.00007; ESP Exome Variant Server 0.00015.
gnomAD v4.1: 213 of 1,602,230 alleles (0.013%); highest among the groups gnomAD compares: South Asian, 0.049%; no homozygotes.

Submissions (8):

GeneDx
Classification: Uncertain significance. Last evaluated: 2026-03-18. Review status: criteria provided, single submitter. Criteria: GeneDx Variant Classification Process June 2021. Collection method: clinical testing. Allele origin: germline.
Comment: In silico analysis suggests that this missense variant does not alter protein structure/function; Has not been previously published as pathogenic or benign to our knowledge

Ambry Genetics
Classification: Uncertain significance for Inborn genetic diseases. Last evaluated: 2025-10-30. Review status: criteria provided, single submitter. Criteria: Ambry Variant Classification Scheme 2023. Collection method: clinical testing. Allele origin: germline.

Labcorp Genetics (formerly Invitae), Labcorp
Classification: Likely benign for RYR1-related disorder. Last evaluated: 2025-10-02. Review status: criteria provided, single submitter. Criteria: Invitae Variant Classification Sherloc (09022015). Collection method: clinical testing. Allele origin: germline.

CeGaT Center for Human Genetics Tuebingen
Classification: Uncertain significance. Last evaluated: 2024-03-01. Review status: criteria provided, single submitter. Criteria: CeGaT Center For Human Genetics Tuebingen Variant Classification Criteria Version 2. Collection method: clinical testing. Allele origin: germline. Affected: yes. Observed: 1 variant allele.

Color Diagnostics, LLC DBA Color Health
Classification: Uncertain significance for Malignant hyperthermia, susceptibility to, 1. Last evaluated: 2023-12-12. Review status: criteria provided, single submitter. Criteria: ACMG Guidelines, 2015. Collection method: clinical testing. Allele origin: germline.
Comment: This missense variant replaces threonine with methionine at codon 3425 of the RYR1 protein. Computational prediction is inconclusive regarding the impact of this variant on protein structure and function. To our knowledge, functional studies have not been reported for this variant. This variant has not been reported in individuals affected with RYR1-related disorders in the literature. This variant has been identified in 27/229004 chromosomes in the general population by the Genome Aggregation Database (gnomAD). The available evidence is insufficient to determine the role of this variant in disease conclusively. Therefore, this variant is classified as a Variant of Uncertain Significance.

Revvity Omics, Revvity
Classification: Uncertain significance. Last evaluated: 2021-04-01. Review status: criteria provided, single submitter. Criteria: ACMG Guidelines, 2015. Collection method: clinical testing. Allele origin: germline.

Victorian Clinical Genetics Services, Murdoch Childrens Research Institute
Classification: Uncertain significance for RYR1-related myopathy. Last evaluated: 2020-05-21. Review status: criteria provided, single submitter. Criteria: ACMG Guidelines, 2015. Collection method: clinical testing. Allele origin: germline. Inheritance: Autosomal dominant inheritance. Affected: yes.
Comment: A heterozygous missense variant was identified, NM_000540.2(RYR1):c.10274C>T in exon 68 of 106 of the RYR1 gene. This substitution is predicted to create a moderate amino acid change from a threonine to a methionine at position 3425 of the protein; NP_000531.2(RYR1):p.(Thr3425Met). The threonine at this position has low conservation (100 vertebrates, UCSC), and is not situated in a known functional domain. In silico software predictions of the pathogenicity of this variant are conflicting (Polyphen, SIFT, CADD, Mutation Taster). The variant is present in the gnomAD database at a global population frequency of 0.012% (27 heterozygotes, 0 homozygotes) with a South Asian sub-population frequency of 0.048%. Two alternative residue changes at the same location have been reported in the gnomAD database at a frequency of 0.015% and 0.0026%. This variant has been previously reported as a VUS in patient with RYR1-related disorder (ClinVar). Based on information available at the time of curation, this variant has been classified as a VUS.

Baylor Genetics
Classification: Uncertain significance for Central core myopathy. Last evaluated: 2019-03-01. Review status: criteria provided, single submitter. Criteria: ACMG Guidelines, 2015. Collection method: clinical testing. Allele origin: paternal. Affected: yes.
Comment: This variant was determined to be of uncertain significance according to ACMG Guidelines, 2015 [PMID:25741868].

NM_000540.3(RYR1):c.10274C>T (p.Thr3425Met)

Gene: RYR1 (ryanodine receptor 1; plus strand). Cytogenetic location: 19q13.2.
Variant type: single nucleotide variant.
Coding change: c.10274C>T on transcript NM_000540.3 (MANE Select); coding-DNA position 10274, C replaced by T.
Protein change: p.Thr3425Met; replaces threonine 3425 with methionine.
Molecular consequence: missense variant.
Genome position (GRCh38, 1-based): chr19:38,523,042, C>T. VCF-style: chr19-38523042-C-T. GRCh37 (hg19) VCF-style: chr19-39013682-C-T.
Other names: c.10274C>T, p.Thr3425Met (NM_001042723.2); short protein forms T3425M.
Identifiers: ClinVar variation 576534 (VCV000576534.40), dbSNP rs150977342, ClinGen allele CA052986.
Genomic context (GRCh38, chr19:38,523,042, plus strand): 5'-CCTGGGATCCCCACCCCCTCCCTCACCTCCCCTCCGCTGACCCCAGGGCGCAGTGGCTGA[C>T]GGAGCCGAATCCCAGCGCGGAGGAGCTGTTCAGGATGGTGGGCGAGATCTTCATCTACTG-3'
Protein context (NP_000531.2, residues 3415-3435): YVDNNRAQWL[Thr3425Met]EPNPSAEELF